The following is an entry in ClinVar:

ClinVar aggregate classification (germline): Benign/Likely benign. Review status: criteria provided, multiple submitters, no conflicts (2 of 4 stars). 5 submissions from 5 submitters: Benign (1); Likely benign (3). 1 of the submissions does not count toward it. Last evaluated 2025-12-30.

Conditions:
TOPORS-related disorder. Also called: TOPORS-related condition.
Retinitis pigmentosa (RP). Identifiers: Orphanet 791, MedGen C0035334, MeSH D012174, MONDO:0019200, OMIM 268000. Inheritance: Autosomal dominant, autosomal recessive and X linked inheritance.

Allele frequency attached by ClinVar (database versions not stated): TOPMed 0.00074; ESP Exome Variant Server 0.00085; gnomAD 0.00103 and 0.00107; 1000 Genomes Project 0.00120; 1000 Genomes Project 30x 0.00125; gnomAD exomes 0.00148 and 0.00157; ExAC 0.00192.
gnomAD v4.1: 2,455 of 1,614,026 alleles (0.15%); highest among the groups gnomAD compares: Non-Finnish European, 0.17%; 4 homozygotes.

Submissions (5):

Labcorp Genetics (formerly Invitae), Labcorp
Classification: Likely benign. Last evaluated: 2025-12-30. Review status: criteria provided, single submitter. Criteria: Invitae Variant Classification Sherloc (09022015). Collection method: clinical testing. Allele origin: germline.

Blueprint Genetics
Classification: Likely benign. Last evaluated: 2024-11-26. Review status: criteria provided, single submitter. Criteria: ACMG Guidelines, 2015. Collection method: clinical testing. Allele origin: germline.

CeGaT Center for Human Genetics Tuebingen
Classification: Benign. Last evaluated: 2022-09-01. Review status: criteria provided, single submitter. Criteria: CeGaT Center For Human Genetics Tuebingen Variant Classification Criteria Version 2. Collection method: clinical testing. Allele origin: germline. Affected: yes. Observed: 1 variant allele.
Comment: TOPORS: BS1, BS2

Illumina Laboratory Services, Illumina
Classification: Likely benign for Retinitis pigmentosa. Last evaluated: 2018-01-12. Review status: criteria provided, single submitter. Criteria: ICSL Variant Classification Criteria 13 December 2019. Collection method: clinical testing. Allele origin: germline.
Comment: This variant was observed in the ICSL laboratory as part of a predisposition screen in an ostensibly healthy population. It had not been previously curated by ICSL or reported in the Human Gene Mutation Database (HGMD: prior to June 1st, 2018), and was therefore a candidate for classification through an automated scoring system. Utilizing variant allele frequency, disease prevalence and penetrance estimates, and inheritance mode, an automated score was calculated to assess if this variant is too frequent to cause the disease. Based on the score and internal cut-off values, a variant classified as likely benign is not then subjected to further curation. The score for this variant resulted in a classification of likely benign for this disease.

PreventionGenetics, part of Exact Sciences
Classification: Likely benign for TOPORS-related condition. Last evaluated: 2020-08-25. Review status: no assertion criteria provided. Collection method: clinical testing. Allele origin: germline. Not counted in ClinVar's aggregate classification.
Comment: This variant is classified as likely benign based on ACMG/AMP sequence variant interpretation guidelines (Richards et al. 2015 PMID: 25741868, with internal and published modifications).

NM_005802.5(TOPORS):c.1238A>C (p.Gln413Pro)

Gene: TOPORS (TOP1 binding arginine/serine rich protein, E3 ubiquitin ligase; minus strand). Cytogenetic location: 9p21.1.
Variant type: single nucleotide variant.
Coding change: c.1238A>C on transcript NM_005802.5 (MANE Select); coding-DNA position 1238, A replaced by C.
Protein change: p.Gln413Pro; replaces glutamine 413 with proline.
Molecular consequence: missense variant.
Genome position (GRCh38, 1-based): chr9:32,543,287, T>G on the plus strand (A>C on the coding strand, the complement: TOPORS is on the minus strand). VCF-style: chr9-32543287-T-G. GRCh37 (hg19) VCF-style: chr9-32543285-T-G.
Other names: c.1043A>C, p.Gln348Pro (NM_001195622.2); short protein forms Q413P, Q348P.
Identifiers: ClinVar variation 366571 (VCV000366571.41), dbSNP rs61758062, ClinGen allele CA5020549.